The following is an entry in ClinVar:

ClinVar aggregate classification (germline): Likely benign. Review status: criteria provided, multiple submitters, no conflicts (2 of 4 stars). 2 submissions from 2 submitters: Likely benign (2). Last evaluated 2017-04-27.

Conditions:
Peroxisome biogenesis disorder 12A (Zellweger). Also called: Peroxisome biogenesis disorder 12A. Identifiers: Orphanet 912, MedGen C3554002, MONDO:0013951, OMIM 614886.

Allele frequency attached by ClinVar (database versions not stated): ExAC 0.00112; gnomAD exomes 0.00443 and 0.00823; gnomAD 0.01433 and 0.01399; 1000 Genomes Project 0.02017; TOPMed 0.01725; 1000 Genomes Project 30x 0.02046.
gnomAD v4.1: 3,464 of 455,832 alleles (0.76%); highest among the groups gnomAD compares: African/African-American, 4.2%; 61 homozygotes.

Submissions (2):

Illumina Laboratory Services, Illumina
Classification: Likely benign for Peroxisome biogenesis disorder 12A (Zellweger). Last evaluated: 2017-04-27. Review status: criteria provided, single submitter. Criteria: ICSL Variant Classification Criteria 13 December 2019. Collection method: clinical testing. Allele origin: germline.
Comment: This variant was observed as part of a predisposition screen in an ostensibly healthy population. A literature search was performed for the gene, cDNA change, and amino acid change (where applicable). No publications were found based on this search. Allele frequency data from public databases allowed determination this variant is unlikely to cause disease. Therefore, this variant is classified as likely benign.

Breakthrough Genomics
Classification: Likely benign. Review status: criteria provided, single submitter. Criteria: ACMG Guidelines, 2015. Collection method: not provided. Allele origin: germline. Inheritance: Autosomal recessive inheritance. Affected: yes.

NM_002857.4(PEX19):c.*2057T>G

Gene: PEX19 (peroxisomal biogenesis factor 19; minus strand). Cytogenetic location: 1q23.2.
Variant type: single nucleotide variant.
Coding change: c.*2057T>G on transcript NM_002857.4 (MANE Select); 2057 bases downstream of the stop codon, T replaced by G.
Molecular consequence: 3 prime UTR variant. On other transcripts: non-coding transcript variant (2).
Genome position (GRCh38, 1-based): chr1:160,277,494, A>C on the plus strand (T>G on the coding strand, the complement: PEX19 is on the minus strand). VCF-style: chr1-160277494-A-C. GRCh37 (hg19) VCF-style: chr1-160247284-A-C.
Other names: c.*2065T>G (NM_001193644.1).
Identifiers: ClinVar variation 293199 (VCV000293199.6), dbSNP rs56089807, ClinGen allele CA1197079.